The following is an entry in ClinVar:

ClinVar aggregate classification (germline): Uncertain significance (1 of 4 stars; one submission).

Allele frequency attached by ClinVar (database versions not stated): gnomAD exomes below 0.00001; gnomAD 0.00001.
gnomAD v4.1: 3 of 1,612,872 alleles (0.00019%); highest among the groups gnomAD compares: Non-Finnish European, 0.00025%; no homozygotes.

Submission:

Labcorp Genetics (formerly Invitae), Labcorp
Classification: Uncertain significance. Last evaluated: 2022-04-09. Review status: criteria provided, single submitter. Criteria: Invitae Variant Classification Sherloc (09022015). Collection method: clinical testing. Allele origin: germline.
Comment: This sequence change replaces isoleucine, which is neutral and non-polar, with methionine, which is neutral and non-polar, at codon 1728 of the FAT4 protein (p.Ile1728Met). This variant is present in population databases (no rsID available, gnomAD 0.002%). In summary, the available evidence is currently insufficient to determine the role of this variant in disease. Therefore, it has been classified as a Variant of Uncertain Significance. Advanced modeling of protein sequence and biophysical properties (such as structural, functional, and spatial information, amino acid conservation, physicochemical variation, residue mobility, and thermodynamic stability) performed at Invitae indicates that this missense variant is not expected to disrupt FAT4 protein function. This variant has not been reported in the literature in individuals affected with FAT4-related conditions.

NM_001291303.3(FAT4):c.5184A>G (p.Ile1728Met)

Gene: FAT4 (FAT atypical cadherin 4; plus strand). Cytogenetic location: 4q28.1.
Variant type: single nucleotide variant.
Coding change: c.5184A>G on transcript NM_001291303.3 (MANE Select); coding-DNA position 5184, A replaced by G.
Protein change: p.Ile1728Met; replaces isoleucine 1728 with methionine.
Molecular consequence: missense variant.
Genome position (GRCh38, 1-based): chr4:125,398,792, A>G. VCF-style: chr4-125398792-A-G. GRCh37 (hg19) VCF-style: chr4-126319947-A-G.
Other names: c.5184A>G, p.Ile1728Met (NM_001291285.3, NM_024582.6); short protein forms I1728M.
Identifiers: ClinVar variation 1984336 (VCV001984336.4), dbSNP rs1296535115, ClinGen allele CA358118726.
Genomic context (GRCh38, chr4:125,398,792, plus strand): 5'-ATCTTGCAGACACGTGGGAGTCATTCACACATTGTTTCCTTTTTCTTTGTAGGTAGAAAT[A>G]ACACTTCAGGATATCAATGACAATCCACCAGTATTTCCAACGGACATGCTGGATCTCACG-3'
Protein context (NP_001278232.1, residues 1718-1738): FPRTQRAEVE[Ile1728Met]TLQDINDNPP